The following is an entry in ClinVar:

NM_002529.4(NTRK1):c.229CAGCATCTG[1] (p.77QHL[1])

Gene: NTRK1 (neurotrophic receptor tyrosine kinase 1; plus strand). Cytogenetic location: 1q23.1.
Variant type: Microsatellite.
Coding change: c.229CAGCATCTG[1] on transcript NM_002529.4 (MANE Select); one copy of the 9-base unit CAGCATCTG starting at c.229; the reference has two copies in a row; one copy, 9 bases deleted.
Protein change: p.77QHL[1].
Molecular consequence: inframe deletion.
Genome position (GRCh38, 1-based): chr1:156,864,379-156,864,387, CAGCATCTG deleted; deleting any 9 consecutive bases within chr1:156,864,369-156,864,387 gives the same sequence; the position shown is the placement nearest the transcript's 3' end. VCF-style (leftmost placement, unchanged base first): chr1-156864368-AGCAGCATCT-A. GRCh37 (hg19) VCF-style: chr1-156834160-AGCAGCATCT-A.
Other names: c.238_246del (NM_001012331.1); c.139CAGCATCTG[1], p.47QHL[1] (NM_001007792.1); c.229CAGCATCTG[1], p.77QHL[1] (NM_001012331.2).
Identifiers: ClinVar variation 938108 (VCV000938108.7), dbSNP rs1655824830, ClinGen allele CA1200780353.

ClinVar aggregate classification (germline): Uncertain significance (1 of 4 stars; one submission).

Conditions:
Hereditary insensitivity to pain with anhidrosis (CIPA). Also called: NTRK1 Congenital Insensitivity to Pain with Anhidrosis; INSENSITIVITY TO PAIN, CONGENITAL, WITH ANHIDROSIS; HSAN Type IV; hereditary sensory and autonomic neuropathy type 4; NEUROPATHY, CONGENITAL SENSORY, WITH ANHIDROSIS; FAMILIAL DYSAUTONOMIA, TYPE II. Identifiers: Orphanet 642, MedGen C0020074, MONDO:0009746, OMIM 256800.

Submission:

Labcorp Genetics (formerly Invitae), Labcorp
Classification: Uncertain significance for Hereditary insensitivity to pain with anhidrosis. Last evaluated: 2021-08-26. Review status: criteria provided, single submitter. Criteria: Invitae Variant Classification Sherloc (09022015). Collection method: clinical testing. Allele origin: germline.
Comment: This variant, c.238_246del, results in the deletion of 3 amino acid(s) of the NTRK1 protein (p.Gln80_Leu82del), but otherwise preserves the integrity of the reading frame. This variant is not present in population databases (ExAC no frequency). This variant has not been reported in the literature in individuals affected with NTRK1-related conditions. Experimental studies and prediction algorithms are not available or were not evaluated, and the functional significance of this variant is currently unknown. In summary, the available evidence is currently insufficient to determine the role of this variant in disease. Therefore, it has been classified as a Variant of Uncertain Significance.